The following is an entry in ClinVar:

ClinVar aggregate classification (germline): Benign. Review status: criteria provided, multiple submitters, no conflicts (2 of 4 stars). 3 submissions from 3 submitters: Benign (3). Last evaluated 2023-11-12.

Allele frequency attached by ClinVar (database versions not stated): 1000 Genomes Project 30x 0.18239; 1000 Genomes Project 0.17831; TOPMed 0.32509.
gnomAD v4.1: 703,179 of 1,607,388 alleles (44%); highest among the groups gnomAD compares: Non-Finnish European, 50%; 169,734 homozygotes.

Submissions (3):

Unidad de Genómica Garrahan, Hospital de Pediatría Garrahan
Classification: Benign. Last evaluated: 2023-11-12. Review status: criteria provided, single submitter. Criteria: ACMG Guidelines, 2015. Collection method: clinical testing. Allele origin: germline. Affected: no. Observed: 47 variant alleles.
Comment: This variant is classified as Benign based on local population frequency. This variant was detected in 49% of patients studied by a panel of primary immunodeficiencies. Number of patients: 47. Only high quality variants are reported.

GeneDx
Classification: Benign. Last evaluated: 2018-11-12. Review status: criteria provided, single submitter. Criteria: GeneDx Variant Classification Process June 2021. Collection method: clinical testing. Allele origin: germline. Affected: yes.

Breakthrough Genomics
Classification: Benign. Review status: criteria provided, single submitter. Criteria: ACMG Guidelines, 2015. Collection method: not provided. Allele origin: germline. Inheritance: Autosomal recessive inheritance. Affected: yes.

NM_005026.5(PIK3CD):c.1812-90C>G

Gene: PIK3CD (phosphatidylinositol-4,5-bisphosphate 3-kinase catalytic subunit delta; plus strand). Cytogenetic location: 1p36.22.
Variant type: single nucleotide variant.
Coding change: c.1812-90C>G on transcript NM_005026.5 (MANE Select); 90 bases into the intron before coding-DNA position 1812, C replaced by G.
Molecular consequence: intron variant.
Genome position (GRCh38, 1-based): chr1:9,721,354, C>G. VCF-style: chr1-9721354-C-G. GRCh37 (hg19) VCF-style: chr1-9781412-C-G.
Other names: c.1809-90C>G (NM_001350234.2); c.1725-90C>G (NM_001350235.1).
Identifiers: ClinVar variation 1281248 (VCV001281248.4), dbSNP rs12735071, ClinGen allele CA10659350.